The following is an entry in ClinVar:

ClinVar aggregate classification (germline): Uncertain significance (1 of 4 stars; one submission).

Submission:

Labcorp Genetics (formerly Invitae), Labcorp
Classification: Uncertain significance. Last evaluated: 2022-08-19. Review status: criteria provided, single submitter. Criteria: Invitae Variant Classification Sherloc (09022015). Collection method: clinical testing. Allele origin: germline.
Comment: This sequence change replaces alanine, which is neutral and non-polar, with valine, which is neutral and non-polar, at codon 559 of the SLC26A3 protein (p.Ala559Val). This variant is not present in population databases (gnomAD no frequency). This variant has not been reported in the literature in individuals affected with SLC26A3-related conditions. ClinVar contains an entry for this variant (Variation ID: 1509965). Algorithms developed to predict the effect of missense changes on protein structure and function (SIFT, PolyPhen-2, Align-GVGD) all suggest that this variant is likely to be tolerated. In summary, the available evidence is currently insufficient to determine the role of this variant in disease. Therefore, it has been classified as a Variant of Uncertain Significance.

NM_000111.3(SLC26A3):c.1676C>T (p.Ala559Val)

Gene: SLC26A3 (solute carrier family 26 member 3; minus strand). Cytogenetic location: 7q22.3.
Variant type: single nucleotide variant.
Coding change: c.1676C>T on transcript NM_000111.3 (MANE Select); coding-DNA position 1676, C replaced by T.
Protein change: p.Ala559Val; replaces alanine 559 with valine.
Molecular consequence: missense variant.
Genome position (GRCh38, 1-based): chr7:107,776,453, G>A on the plus strand (C>T on the coding strand, the complement: SLC26A3 is on the minus strand). VCF-style: chr7-107776453-G-A. GRCh37 (hg19) VCF-style: chr7-107416898-G-A.
Other names: short protein forms A559V.
Identifiers: ClinVar variation 1509965 (VCV001509965.8), dbSNP rs1794117159, ClinGen allele CA368850691.